The following is an entry in ClinVar:

NM_006642.5(SDCCAG8):c.1856C>A (p.Ser619Tyr)

Gene: SDCCAG8 (SHH signaling and ciliogenesis regulator SDCCAG8; plus strand). Cytogenetic location: 1q43.
Variant type: single nucleotide variant.
Coding change: c.1856C>A on transcript NM_006642.5 (MANE Select); coding-DNA position 1856, C replaced by A.
Protein change: p.Ser619Tyr; replaces serine 619 with tyrosine.
Molecular consequence: missense variant.
Genome position (GRCh38, 1-based): chr1:243,426,429, C>A. VCF-style: chr1-243426429-C-A. GRCh37 (hg19) VCF-style: chr1-243589731-C-A.
Other names: c.953C>A, p.Ser318Tyr (NM_001350246.2, NM_001350247.2, NM_001350251.2); c.1952C>A, p.Ser651Tyr (NM_001350248.2); c.1562C>A, p.Ser521Tyr (NM_001350249.2); short protein forms S318Y, S521Y, S619Y, S651Y.
Identifiers: ClinVar variation 3353247 (VCV003353247.1).

ClinVar aggregate classification (germline): Uncertain significance (0 of 4 stars; one submission).

Conditions:
SDCCAG8-related disorder. Also called: SDCCAG8-Related Disorders; SDCCAG8-related condition.

Submission:

PreventionGenetics, part of Exact Sciences
Classification: Uncertain significance for SDCCAG8-related condition. Last evaluated: 2023-11-27. Review status: no assertion criteria provided. Collection method: clinical testing. Allele origin: germline.
Comment: The SDCCAG8 c.1856C>A variant is predicted to result in the amino acid substitution p.Ser619Tyr. To our knowledge, this variant has not been reported in the literature. This variant is reported in 0.0023% of alleles in individuals of European (Non-Finnish) descent in gnomAD. At this time, the clinical significance of this variant is uncertain due to the absence of conclusive functional and genetic evidence.